The following is an entry in ClinVar:

NM_002234.4(KCNA5):c.454C>G (p.Arg152Gly)

Gene: KCNA5 (potassium voltage-gated channel subfamily A member 5; plus strand). Cytogenetic location: 12p13.32.
Variant type: single nucleotide variant.
Coding change: c.454C>G on transcript NM_002234.4 (MANE Select); coding-DNA position 454, C replaced by G.
Protein change: p.Arg152Gly; replaces arginine 152 with glycine.
Molecular consequence: missense variant.
Genome position (GRCh38, 1-based): chr12:5,044,601, C>G. VCF-style: chr12-5044601-C-G. GRCh37 (hg19) VCF-style: chr12-5153767-C-G.
Other names: short protein forms R152G.
Identifiers: ClinVar variation 3690575 (VCV003690575.2).
Genomic context (GRCh38, chr12:5,044,601, plus strand): 5'-GAGACGCAGCTGGGCACCCTGGCGCAGTTCCCCAACACACTCCTGGGGGACCCCGCCAAG[C>G]GCCTGCGCTACTTCGACCCCCTGAGGAACGAGTACTTCTTCGACCGCAACCGGCCCAGCT-3'
Protein context (NP_002225.2, residues 142-162): PNTLLGDPAK[Arg152Gly]LRYFDPLRNE

ClinVar aggregate classification (germline): Uncertain significance (1 of 4 stars; one submission).

Conditions:
Atrial fibrillation, familial, 7 (ATFB7). Identifiers: MedGen C2677106, MONDO:0012828, OMIM 612240.

Submission:

Labcorp Genetics (formerly Invitae), Labcorp
Classification: Uncertain significance for Atrial fibrillation, familial, 7. Last evaluated: 2024-05-28. Review status: criteria provided, single submitter. Criteria: Invitae Variant Classification Sherloc (09022015). Collection method: clinical testing. Allele origin: germline.
Comment: This sequence change replaces arginine, which is basic and polar, with glycine, which is neutral and non-polar, at codon 152 of the KCNA5 protein (p.Arg152Gly). This variant is present in population databases (rs751395749, gnomAD 0.01%). This variant has not been reported in the literature in individuals affected with KCNA5-related conditions. Advanced modeling of protein sequence and biophysical properties (such as structural, functional, and spatial information, amino acid conservation, physicochemical variation, residue mobility, and thermodynamic stability) performed at Invitae indicates that this missense variant is expected to disrupt KCNA5 protein function with a positive predictive value of 80%. In summary, the available evidence is currently insufficient to determine the role of this variant in disease. Therefore, it has been classified as a Variant of Uncertain Significance.